The following is an entry in ClinVar:

ClinVar aggregate classification (germline): Uncertain significance (1 of 4 stars; one submission).

Conditions:
Early-infantile DEE. Also called: Ohtahara syndrome; Early infantile epileptic encephalopathy with suppression bursts; Early infantile epileptic encephalopathy. Identifiers: Orphanet 1934, MedGen C0393706, MONDO:0800491.

Allele frequency attached by ClinVar (database versions not stated): gnomAD exomes below 0.00001.
gnomAD v4.1: 1 of 1,614,260 alleles (0.000062%); highest among the groups gnomAD compares: Non-Finnish European, 0.000085%; no homozygotes.

Submission:

Labcorp Genetics (formerly Invitae), Labcorp
Classification: Uncertain significance for Early-infantile DEE. Last evaluated: 2020-01-30. Review status: criteria provided, single submitter. Criteria: Invitae Variant Classification Sherloc (09022015). Collection method: clinical testing. Allele origin: germline.
Comment: This sequence change replaces valine with methionine at codon 1560 of the SPTAN1 protein (p.Val1560Met). The valine residue is highly conserved and there is a small physicochemical difference between valine and methionine. This variant is not present in population databases (ExAC no frequency). This variant has not been reported in the literature in individuals with SPTAN1-related conditions. In summary, the available evidence is currently insufficient to determine the role of this variant in disease. Therefore, it has been classified as a Variant of Uncertain Significance.

NM_001130438.3(SPTAN1):c.4678G>A (p.Val1560Met)

Gene: SPTAN1 (spectrin alpha, non-erythrocytic 1; plus strand). Cytogenetic location: 9q34.11.
Variant type: single nucleotide variant.
Coding change: c.4678G>A on transcript NM_001130438.3 (MANE Select); coding-DNA position 4678, G replaced by A.
Protein change: p.Val1560Met; replaces valine 1560 with methionine.
Molecular consequence: missense variant.
Genome position (GRCh38, 1-based): chr9:128,609,204, G>A. VCF-style: chr9-128609204-G-A. GRCh37 (hg19) VCF-style: chr9-131371483-G-A.
Other names: c.4618G>A, p.Val1540Met (NM_001195532.2, NM_001363765.2, NM_001375314.2); c.4678G>A, p.Val1560Met (NM_001363759.2, NM_001375310.1, NM_001375311.2 and 2 more transcripts); c.4714G>A, p.Val1572Met (NM_001375312.2, NM_001375318.1); short protein forms V1540M, V1560M, V1572M.
Identifiers: ClinVar variation 1017687 (VCV001017687.10), dbSNP rs1856292384, ClinGen allele CA375069047.
Genomic context (GRCh38, chr9:128,609,204, plus strand): 5'-ATGATTGAGAAAAGGTCAAAGCTAGGAGAATCTCAAACCCTCCAACAGTTCAGCCGGGAT[G>A]TGGATGAGATTGAGGCTTGGATCAGTGAAAAATTGCAAACAGCGAGTGATGAGTCGTACA-3'
Protein context (NP_001123910.1, residues 1550-1570): SQTLQQFSRD[Val1560Met]DEIEAWISEK